The following is an entry in ClinVar:

ClinVar aggregate classification (germline): Pathogenic. Review status: criteria provided, multiple submitters, no conflicts (2 of 4 stars). 4 submissions from 4 submitters: Pathogenic (4). Last evaluated 2025-12-13.

Conditions:
Methylcrotonyl-CoA carboxylase deficiency. Also called: 3 Methylcrotonylglycinuria; 3-MCC Deficiency; Deficiency of methylcrotonoyl-CoA carboxylase. Identifiers: Orphanet 6, MedGen C4551505, MONDO:0018950.
3-methylcrotonyl-CoA carboxylase 2 deficiency. Also called: 3 alpha methylcrotonyl-CoA carboxylase 2 deficiency; 3 alpha methylcrotonylglycinuria 2; MCC 2 deficiency; Methylcrotonylglycinuria type 2; METHYLCROTONYLGLYCINURIA, TYPE II. Identifiers: Orphanet 6, MedGen C1859499, MONDO:0008862, OMIM 210210.

Allele frequency attached by ClinVar (database versions not stated): TOPMed 0.00002.
gnomAD v4.1: 5 of 1,613,266 alleles (0.00031%); highest among the groups gnomAD compares: African/African-American, 0.0067%; no homozygotes.

Submissions (4):

Labcorp Genetics (formerly Invitae), Labcorp
Classification: Pathogenic for 3-methylcrotonyl-CoA carboxylase 2 deficiency. Last evaluated: 2025-12-13. Review status: criteria provided, single submitter. Criteria: Invitae Variant Classification Sherloc (09022015). Collection method: clinical testing. Allele origin: germline.
Comment: This sequence change creates a premature translational stop signal (p.Glu61*) in the MCCC2 gene. It is expected to result in an absent or disrupted protein product. Loss-of-function variants in MCCC2 are known to be pathogenic (PMID: 11181649, 22642865). This variant is present in population databases (rs752593298, gnomAD 0.02%). This variant has not been reported in the literature in individuals affected with MCCC2-related conditions. ClinVar contains an entry for this variant (Variation ID: 963404). For these reasons, this variant has been classified as Pathogenic.

Women's Health and Genetics/Laboratory Corporation of America, LabCorp
Classification: Pathogenic for Methylcrotonyl-CoA carboxylase deficiency. Last evaluated: 2024-09-10. Review status: criteria provided, single submitter. Criteria: LabCorp Variant Classification Summary - May 2015. Collection method: clinical testing. Allele origin: germline.
Comment: Variant summary: MCCC2 c.181G>T (p.Glu61X) results in a premature termination codon, predicted to cause a truncation of the encoded protein or absence of the protein due to nonsense mediated decay, which are commonly known mechanisms for disease. The variant allele was found at a frequency of 1.2e-05 in 251314 control chromosomes. To our knowledge, no occurrence of c.181G>T in individuals affected with Methylcrotonyl-CoA Carboxylase Deficiency and no experimental evidence demonstrating its impact on protein function have been reported. ClinVar contains an entry for this variant (Variation ID: 963404). Based on the evidence outlined above, the variant was classified as pathogenic.

Myriad Genetics, Inc.
Classification: Pathogenic for 3-methylcrotonyl-CoA carboxylase 2 deficiency. Last evaluated: 2024-05-01. Review status: criteria provided, single submitter. Criteria: Myriad Autosomal Dominant, Autosomal Recessive and X-Linked Classification Criteria (2023). Collection method: clinical testing. Allele origin: unknown.
Comment: NM_022132.4(MCCC2):c.181G>T(E61*) is expected to be pathogenic in the context of 3-methylcrotonyl-CoA carboxylase deficiency, MCCC2-related. This variant is predicted to lead to an abnormal or absent protein product due to the creation of a premature termination codon in MCCC2, a gene where loss-of-function variants are known to be pathogenic. Please note: this variant was assessed in the context of healthy population screening.

Revvity Omics, Revvity
Classification: Pathogenic for 3-methylcrotonyl-CoA carboxylase 2 deficiency. Last evaluated: 2019-10-24. Review status: criteria provided, single submitter. Criteria: ACMG Guidelines, 2015. Collection method: clinical testing. Allele origin: germline.

Literature cited by the submitters: PubMed 11181649 (cited by Labcorp Genetics (formerly Invitae), Labcorp); PubMed 22642865 (cited by Labcorp Genetics (formerly Invitae), Labcorp).

NM_022132.5(MCCC2):c.181G>T (p.Glu61Ter)

Gene: MCCC2 (methylcrotonyl-CoA carboxylase subunit 2; plus strand). Cytogenetic location: 5q13.2.
Variant type: single nucleotide variant.
Coding change: c.181G>T on transcript NM_022132.5 (MANE Select); coding-DNA position 181, G replaced by T.
Protein change: p.Glu61Ter; replaces glutamic acid 61 with a stop codon.
Molecular consequence: nonsense.
Genome position (GRCh38, 1-based): chr5:71,592,977, G>T. VCF-style: chr5-71592977-G-T. GRCh37 (hg19) VCF-style: chr5-70888804-G-T.
Other names: c.181G>T, p.Glu61Ter (NM_001363147.1); short protein forms E61*.
Identifiers: ClinVar variation 963404 (VCV000963404.15), dbSNP rs752593298, ClinGen allele CA3297683.